The following is an entry in ClinVar:

NM_007294.4(BRCA1):c.-9C>G

Gene: BRCA1 (BRCA1 DNA repair associated; minus strand). Cytogenetic location: 17q21.31.
Variant type: single nucleotide variant.
Coding change: c.-9C>G on transcript NM_007294.4 (MANE Select); 9 bases upstream of the start codon, C replaced by G.
Molecular consequence: 5 prime UTR variant. On other transcripts: non-coding transcript variant (1).
Genome position (GRCh38, 1-based): chr17:43,124,105, G>C on the plus strand (C>G on the coding strand, the complement: BRCA1 is on the minus strand). VCF-style: chr17-43124105-G-C. GRCh37 (hg19) VCF-style: chr17-41276122-G-C.
Other names: c.-9C>G (NM_001408475.1, NM_001408476.1, NM_001408494.1 and 169 more transcripts); c.-197C>G (NM_001408478.1, NM_001408479.1, NM_001408480.1 and 42 more transcripts); c.-342C>G (NM_001408482.1); c.-313C>G (NM_001408492.1, NM_001407889.1); c.-96C>G (NM_001408496.1, NM_001408498.1, NM_007297.4 and 21 more transcripts); c.-273C>G (NM_001408497.1, NM_001407741.1, NM_001407934.1); c.-269C>G (NM_001408499.1, NM_001408500.1, NM_001408503.1 and 22 more transcripts); c.-266C>G (NM_001408501.1, NM_001407694.1, NM_001407724.1 and 11 more transcripts); and 8 more.
Identifiers: ClinVar variation 433682 (VCV000433682.15), dbSNP rs1555601059, ClinGen allele CA645372632.
Genomic context (GRCh38, chr17:43,124,105, plus strand): 5'-TAGCATTAATGACATTTTGTACTTCTTCAACGCGAAGAGCAGATAAATCCATTTCTTTCT[G>C]TTCCAATGAACTTTAACACATTAGAAAAACATATATATATATCTTTTTAAAAGGTTTATA-3'

ClinVar aggregate classification (germline): Conflicting classifications of pathogenicity. Review status: criteria provided, conflicting classifications (1 of 4 stars). 3 submissions from 3 submitters: Uncertain significance (1); Likely benign (1). 1 of the submissions does not count toward it. Last evaluated 2024-09-29.

Conditions:
Hereditary breast ovarian cancer syndrome. Also called: Hereditary breast and ovarian cancer syndrome (HBOC); BRCA1- and BRCA2-Associated Hereditary Breast and Ovarian Cancer; Hereditary breast and/or ovarian cancer syndrome; Hereditary breast and ovarian cancer syndrome; Hereditary breast and ovarian cancer; Breast and ovarian cancer. Identifiers: Orphanet 145, MedGen C0677776, MeSH D061325, MONDO:0003582. Disease mechanism: loss of function.
Malignant tumor of breast. Also called: Malignant breast neoplasm; Cancer breast. Identifiers: MedGen C0006142, MONDO:0007254. Disease mechanism: loss of function.

gnomAD v4.1: 2 of 1,606,680 alleles (0.00012%); highest among the groups gnomAD compares: South Asian, 0.0022%; no homozygotes.

Submissions (4):

Quest Diagnostics Nichols Institute San Juan Capistrano
Classification: Uncertain significance. Last evaluated: 2024-09-29. Review status: criteria provided, single submitter. Criteria: Quest Diagnostics criteria. Collection method: clinical testing. Allele origin: unknown.
Comment: The BRCA1 c.-9C>G variant has been not been reported in the published literature in individuals with BRCA1-related disorders. Functional studies demonstrated that this variant has an inconclusive effect on protein function (PMID: 30209399 (2018)). This variant has not been reported in large, multi-ethnic general populations (Genome Aggregation Database). Analysis of this variant using software algorithms for the prediction of the effect of nucleotide changes on splicing yielded predictions that this variant does not affect BRCA1 mRNA splicing. Based on the available information, we are unable to determine the clinical significance of this variant.

Labcorp Genetics (formerly Invitae), Labcorp
Classification: Likely benign for Hereditary breast ovarian cancer syndrome. Last evaluated: 2020-11-24. Review status: criteria provided, single submitter. Criteria: Invitae Variant Classification Sherloc (09022015). Collection method: clinical testing. Allele origin: germline.

Brotman Baty Institute, University of Washington
No classification provided (evidence only). Condition: Breast-ovarian cancer, familial 1. Review status: no classification provided. Collection method: in vitro. Allele origin: not applicable. Functional consequence: functionally_normal. Not counted in ClinVar's aggregate classification.
ClinVar note: "not provided" was previously submitted as the classification for the variant. However, the classification appeared to be based only on an observation of functional data so it was converted to no classification on 2025-07-30.

Department of Pathology and Laboratory Medicine, Sinai Health System
Classification: Uncertain significance for Malignant tumor of breast. Review status: no assertion criteria provided. Collection method: clinical testing. Allele origin: unknown. Affected: yes. Study: The Canadian Open Genetics Repository (COGR). Not counted in ClinVar's aggregate classification.
Comment: The BRCA1 c.-9C>G variant was not identified in the literature, nor was it identified in the HGMD, UMD, COSMIC or BIC databases. The initiation codon for BRCA1 is located 20 bases downstream from the start of Exon 2. Therefore, the c.-9C>G variant is located in the 5â€šÃ„Ã´ untranslated region (promoter) and is not part of a splicing consensus sequence. The impact of this substitution on the BRCA1 promoter function is not known. Therefore, this variant is classified as a variant of uncertain significance.

Literature cited by the submitters: PubMed 30209399 (cited by Quest Diagnostics Nichols Institute San Juan Capistrano).